The following is an entry in ClinVar:

NM_005431.2(XRCC2):c.534G>C (p.Gln178His)

Gene: XRCC2 (X-ray repair cross complementing 2; minus strand). Cytogenetic location: 7q36.1.
Variant type: single nucleotide variant.
Coding change: c.534G>C on transcript NM_005431.2 (MANE Select); coding-DNA position 534, G replaced by C.
Protein change: p.Gln178His; replaces glutamine 178 with histidine.
Molecular consequence: missense variant.
Genome position (GRCh38, 1-based): chr7:152,648,951, C>G on the plus strand (G>C on the coding strand, the complement: XRCC2 is on the minus strand). VCF-style: chr7-152648951-C-G. GRCh37 (hg19) VCF-style: chr7-152346036-C-G.
Other names: short protein forms Q178H.
Identifiers: ClinVar variation 4202867 (VCV004202867.1).

ClinVar aggregate classification (germline): Uncertain significance (1 of 4 stars; one submission).

Conditions:
Hereditary cancer-predisposing syndrome. Also called: Neoplastic Syndromes, Hereditary; Tumor predisposition; Hereditary Cancer Syndrome; Hereditary neoplastic syndrome. Identifiers: Orphanet 140162, MedGen C0027672, MeSH D009386, MONDO:0015356.

Submission:

Ambry Genetics
Classification: Uncertain significance for Hereditary cancer-predisposing syndrome. Last evaluated: 2025-08-11. Review status: criteria provided, single submitter. Criteria: Ambry Variant Classification Scheme 2023. Collection method: clinical testing. Allele origin: germline.
Comment: The p.Q178H variant (also known as c.534G>C), located in coding exon 3 of the XRCC2 gene, results from a G to C substitution at nucleotide position 534. The glutamine at codon 178 is replaced by histidine, an amino acid with highly similar properties. This amino acid position is conserved. In addition, this alteration is predicted to be tolerated by in silico analysis. Based on the available evidence, the clinical significance of this variant remains unclear.